The following is an entry in ClinVar:

NM_001184880.2(PCDH19):c.505A>T (p.Thr169Ser)

Gene: PCDH19 (protocadherin 19; minus strand). Cytogenetic location: Xq22.1.
Variant type: single nucleotide variant.
Coding change: c.505A>T on transcript NM_001184880.2 (MANE Select); coding-DNA position 505, A replaced by T.
Protein change: p.Thr169Ser; replaces threonine 169 with serine.
Molecular consequence: missense variant.
Genome position (GRCh38, 1-based): chrX:100,408,093, T>A on the plus strand (A>T on the coding strand, the complement: PCDH19 is on the minus strand). VCF-style: chrX-100408093-T-A. GRCh37 (hg19) VCF-style: chrX-99663091-T-A.
Other names: c.505A>T, p.Thr169Ser (NM_001105243.2, NM_020766.3); short protein forms T169S.
Identifiers: ClinVar variation 1432762 (VCV001432762.7), dbSNP rs1413443418, ClinGen allele CA414009482.

ClinVar aggregate classification (germline): Uncertain significance (1 of 4 stars; one submission).

Conditions:
Developmental and epileptic encephalopathy, 9 (DEE9). Also called: Early infantile epileptic encephalopathy 9; EPILEPSY, FEMALE-RESTRICTED, WITH MENTAL RETARDATION; JUBERG-HELLMAN SYNDROME; PCDH19-Related X-Linked Female-Limited Epilepsy with Mental Retardation. Identifiers: Orphanet 101039, Orphanet 2076, MedGen C1848137, MONDO:0010246, OMIM 300088. Disease mechanism: loss of function.

Allele frequency attached by ClinVar (database versions not stated): gnomAD 0.00001; TOPMed 0.00002.

Submission:

Labcorp Genetics (formerly Invitae), Labcorp
Classification: Uncertain significance for Developmental and epileptic encephalopathy, 9. Last evaluated: 2024-02-18. Review status: criteria provided, single submitter. Criteria: Invitae Variant Classification Sherloc (09022015). Collection method: clinical testing. Allele origin: germline.
Comment: This sequence change replaces threonine, which is neutral and polar, with serine, which is neutral and polar, at codon 169 of the PCDH19 protein (p.Thr169Ser). This variant is not present in population databases (gnomAD no frequency). This variant has not been reported in the literature in individuals affected with PCDH19-related conditions. ClinVar contains an entry for this variant (Variation ID: 1432762). Advanced modeling of protein sequence and biophysical properties (such as structural, functional, and spatial information, amino acid conservation, physicochemical variation, residue mobility, and thermodynamic stability) performed at Invitae indicates that this missense variant is not expected to disrupt PCDH19 protein function with a negative predictive value of 95%. In summary, the available evidence is currently insufficient to determine the role of this variant in disease. Therefore, it has been classified as a Variant of Uncertain Significance.